The following is an entry in ClinVar:

ClinVar aggregate classification (germline): Uncertain significance (1 of 4 stars; one submission).

Conditions:
Sulfite oxidase deficiency due to molybdenum cofactor deficiency type A. Also called: Molybdenum cofactor deficiency, complementation group A; Molybdenum Cofactor Deficiency A. Identifiers: Orphanet 308386, Orphanet 833, MedGen C1854988, MONDO:0009643, OMIM 252150.

Allele frequency attached by ClinVar (database versions not stated): gnomAD exomes below 0.00001.
gnomAD v4.1: 2 of 1,600,810 alleles (0.00012%); highest among the groups gnomAD compares: Non-Finnish European, 0.00017%; no homozygotes.

Submission:

Labcorp Genetics (formerly Invitae), Labcorp
Classification: Uncertain significance for Sulfite oxidase deficiency due to molybdenum cofactor deficiency type A. Last evaluated: 2022-02-20. Review status: criteria provided, single submitter. Criteria: Invitae Variant Classification Sherloc (09022015). Collection method: clinical testing. Allele origin: germline.
Comment: This sequence change falls in intron 2 of the MOCS1 gene. It does not directly change the encoded amino acid sequence of the MOCS1 protein. This variant is not present in population databases (gnomAD no frequency). This variant has not been reported in the literature in individuals affected with MOCS1-related conditions. In summary, the available evidence is currently insufficient to determine the role of this variant in disease. Therefore, it has been classified as a Variant of Uncertain Significance.

NM_001358530.2(MOCS1):c.251-19C>G

Gene: MOCS1 (molybdenum cofactor synthesis 1; minus strand). Cytogenetic location: 6p21.2.
Variant type: single nucleotide variant.
Coding change: c.251-19C>G on transcript NM_001358530.2 (MANE Select); 19 bases into the intron before coding-DNA position 251, C replaced by G.
Molecular consequence: intron variant.
Genome position (GRCh38, 1-based): chr6:39,925,864, G>C on the plus strand (C>G on the coding strand, the complement: MOCS1 is on the minus strand). VCF-style: chr6-39925864-G-C. GRCh37 (hg19) VCF-style: chr6-39893608-G-C.
Other names: c.-11-19C>G (NM_001358531.2, NM_001358533.2, NM_001358534.2); c.251-19C>G (NM_001358529.2, NM_001075098.4, NM_005943.6).
Identifiers: ClinVar variation 1905959 (VCV001905959.2), dbSNP rs2482402110, ClinGen allele CA2580074498.